The following is an entry in ClinVar:

ClinVar aggregate classification (germline): Benign. Review status: criteria provided, multiple submitters, no conflicts (2 of 4 stars). 2 submissions from 2 submitters: Benign (2). Last evaluated 2018-06-14.

Allele frequency attached by ClinVar (database versions not stated): 1000 Genomes Project 0.84984; gnomAD exomes 0.85218; 1000 Genomes Project 30x 0.85447; gnomAD 0.86430 and 0.86507; TOPMed 0.87237.
gnomAD v4.1: 531,771 of 621,520 alleles (86%); highest among the groups gnomAD compares: Middle Eastern, 92%; 228,442 homozygotes.

Submissions (2):

GeneDx
Classification: Benign. Last evaluated: 2018-06-14. Review status: criteria provided, single submitter. Criteria: GeneDx Variant Classification (06012015). Collection method: clinical testing. Allele origin: germline. Affected: yes.
Comment: This variant is considered likely benign or benign based on one or more of the following criteria: it is a conservative change, it occurs at a poorly conserved position in the protein, it is predicted to be benign by multiple in silico algorithms, and/or has population frequency not consistent with disease.

Breakthrough Genomics
Classification: Benign. Review status: criteria provided, single submitter. Criteria: ACMG Guidelines, 2015. Collection method: not provided. Allele origin: germline. Inheritance: Autosomal recessive inheritance. Affected: yes.

NM_006096.4(NDRG1):c.943+215T>C

Gene: NDRG1 (N-myc downstream regulated 1; minus strand). Cytogenetic location: 8q24.22.
Variant type: single nucleotide variant.
Coding change: c.943+215T>C on transcript NM_006096.4 (MANE Select); 215 bases into the intron after coding-DNA position 943, T replaced by C.
Molecular consequence: intron variant.
Genome position (GRCh38, 1-based): chr8:133,241,808, A>G on the plus strand (T>C on the coding strand, the complement: NDRG1 is on the minus strand). VCF-style: chr8-133241808-A-G. GRCh37 (hg19) VCF-style: chr8-134254051-A-G.
Other names: c.745+215T>C (NM_001258432.2, NM_001374847.1); c.700+215T>C (NM_001258433.2); c.994+215T>C (NM_001374844.1); c.943+215T>C (NM_001135242.2, NM_001374845.1, NM_001374846.1).
Identifiers: ClinVar variation 667647 (VCV000667647.2), dbSNP rs2272646, ClinGen allele CA15557318.